The following is an entry in ClinVar:

NM_003401.5(XRCC4):c.481C>T (p.Arg161Ter)

Gene: XRCC4 (X-ray repair cross complementing 4; plus strand). Cytogenetic location: 5q14.2.
Variant type: single nucleotide variant.
Coding change: c.481C>T on transcript NM_003401.5 (MANE Select); coding-DNA position 481, C replaced by T.
Protein change: p.Arg161Ter; replaces arginine 161 with a stop codon.
Molecular consequence: nonsense.
Genome position (GRCh38, 1-based): chr5:83,195,935, C>T. VCF-style: chr5-83195935-C-T. GRCh37 (hg19) VCF-style: chr5-82491754-C-T.
Other names: c.481C>T (NM_022406.3); c.481C>T, p.Arg161Ter (NM_001318012.3, NM_001318013.2, NM_022406.5 and 1 more transcripts); short protein forms R161*.
Identifiers: ClinVar variation 208519 (VCV000208519.6), dbSNP rs779773463, ClinGen allele CA204490.

ClinVar aggregate classification (germline): Pathogenic/Likely pathogenic. Review status: criteria provided, multiple submitters, no conflicts (2 of 4 stars). 3 submissions from 3 submitters: Pathogenic (1); Likely pathogenic (1). 1 of the submissions does not count toward it. Last evaluated 2026-08-12.

Conditions:
XRCC4-related disorder. Also called: XRCC4-related condition.
Short stature, microcephaly, and endocrine dysfunction (SSMED). Identifiers: Orphanet 436182, MedGen C4225288, MONDO:0014686, OMIM 616541.

Allele frequency attached by ClinVar (database versions not stated): ExAC 0.00001; gnomAD exomes 0.00001; TOPMed 0.00003; gnomAD 0.00004.
gnomAD v4.1: 18 of 1,605,474 alleles (0.0011%); highest among the groups gnomAD compares: African/African-American, 0.004%; no homozygotes.

Submissions (3):

PreventionGenetics, part of Exact Sciences
Classification: Likely pathogenic for XRCC4-related condition. Last evaluated: 2026-08-12. Review status: criteria provided, single submitter. Criteria: ACMG Guidelines, 2015. Collection method: clinical testing. Allele origin: germline.
Comment: The XRCC4 c.481C>T variant is predicted to result in premature protein termination (p.Arg161*). This variant, along with another pathogenic variant, has been reported in an individual with primordial dwarfism (Murray et al. 2015. PubMed ID: 25728776). This variant is reported in 0.0082% of alleles in individuals of African descent in gnomAD. Nonsense variants in XRCC4 are expected to be pathogenic. This variant is interpreted as likely pathogenic.

Labcorp Genetics (formerly Invitae), Labcorp
Classification: Pathogenic. Last evaluated: 2022-10-23. Review status: criteria provided, single submitter. Criteria: Invitae Variant Classification Sherloc (09022015). Collection method: clinical testing. Allele origin: germline.
Comment: For these reasons, this variant has been classified as Pathogenic. ClinVar contains an entry for this variant (Variation ID: 208519). This premature translational stop signal has been observed in individual(s) with microcephalic primordial dwarfism (PMID: 25728776). This variant is present in population databases (rs779773463, gnomAD 0.008%). This sequence change creates a premature translational stop signal (p.Arg161*) in the XRCC4 gene. It is expected to result in an absent or disrupted protein product. Loss-of-function variants in XRCC4 are known to be pathogenic (PMID: 25728776).

OMIM
Classification: Pathogenic for SHORT STATURE, MICROCEPHALY, AND ENDOCRINE DYSFUNCTION. Last evaluated: 2015-03-05. Review status: no assertion criteria provided. Collection method: literature only. Allele origin: germline. Not counted in ClinVar's aggregate classification.

Literature cited by the submitters: PubMed 25728776 (cited by Labcorp Genetics (formerly Invitae), Labcorp and OMIM).